The following is an entry in ClinVar:

ClinVar aggregate classification (germline): Benign. Review status: criteria provided, multiple submitters, no conflicts (2 of 4 stars). 5 submissions from 5 submitters: Benign (3). 2 of the submissions do not count toward it. Last evaluated 2026-02-04.

Conditions:
IARS2-related disorder. Also called: IARS2-related condition.

Allele frequency attached by ClinVar (database versions not stated): gnomAD exomes 0.01306 and 0.02036; ExAC 0.02148; ESP Exome Variant Server 0.03214; gnomAD 0.03253 and 0.03301; TOPMed 0.03570; 1000 Genomes Project 30x 0.04997; 1000 Genomes Project 0.05152.
gnomAD v4.1: 24,267 of 1,609,436 alleles (1.5%); highest among the groups gnomAD compares: African/African-American, 7.9%; 422 homozygotes.

Submissions (31):

Labcorp Genetics (formerly Invitae), Labcorp
Classification: Benign. Last evaluated: 2026-02-04. Review status: criteria provided, single submitter. Criteria: Invitae Variant Classification Sherloc (09022015). Collection method: clinical testing. Allele origin: germline.

GeneDx
Classification: Benign. Last evaluated: 2015-12-02. Review status: criteria provided, single submitter. Criteria: GeneDx Variant Classification (06012015). Collection method: clinical testing. Allele origin: germline. Affected: yes.
Comment: This variant is considered likely benign or benign based on one or more of the following criteria: it is a conservative change, it occurs at a poorly conserved position in the protein, it is predicted to be benign by multiple in silico algorithms, and/or has population frequency not consistent with disease.

Breakthrough Genomics
Classification: Benign. Review status: criteria provided, single submitter. Criteria: ACMG Guidelines, 2015. Collection method: not provided. Allele origin: germline. Inheritance: Autosomal recessive inheritance. Affected: yes.

PreventionGenetics, part of Exact Sciences
Classification: Benign for IARS2-related condition. Last evaluated: 2019-06-17. Review status: no assertion criteria provided. Collection method: clinical testing. Allele origin: germline. Not counted in ClinVar's aggregate classification.
Comment: This variant is classified as benign based on ACMG/AMP sequence variant interpretation guidelines (Richards et al. 2015 PMID: 25741868, with internal and published modifications).

Mayo Clinic Laboratories, Mayo Clinic
Classification: Benign. Last evaluated: 2017-08-04. Review status: no assertion criteria provided. Collection method: clinical testing. Allele origin: unknown. Not counted in ClinVar's aggregate classification.

Dr. Peter K. Rogan Lab, Western University
No classification provided (evidence only). Condition: Familial pancreatic carcinoma. Review status: no classification provided. Collection method: in vitro. Allele origin: not applicable. Functional consequence: skipped exon, retained intron. Not counted in ClinVar's aggregate classification.

Dr. Peter K. Rogan Lab, Western University
No classification provided (evidence only). Condition: Familial pancreatic carcinoma. Review status: no classification provided. Collection method: in vitro. Allele origin: not applicable. Functional consequence: retained intron. Not counted in ClinVar's aggregate classification.

Dr. Peter K. Rogan Lab, Western University
No classification provided (evidence only). Condition: Familial pancreatic carcinoma. Review status: no classification provided. Collection method: in vitro. Allele origin: not applicable. Functional consequence: retained intron. Not counted in ClinVar's aggregate classification.

Dr. Peter K. Rogan Lab, Western University
No classification provided (evidence only). Condition: Lymphoma. Review status: no classification provided. Collection method: in vitro. Allele origin: not applicable. Functional consequence: retained intron. Not counted in ClinVar's aggregate classification.

Dr. Peter K. Rogan Lab, Western University
No classification provided (evidence only). Condition: Lymphoma. Review status: no classification provided. Collection method: in vitro. Allele origin: not applicable. Functional consequence: retained intron. Not counted in ClinVar's aggregate classification.

Dr. Peter K. Rogan Lab, Western University
No classification provided (evidence only). Condition: Ovarian cancer. Review status: no classification provided. Collection method: in vitro. Allele origin: not applicable. Functional consequence: retained intron. Not counted in ClinVar's aggregate classification.

Dr. Peter K. Rogan Lab, Western University
No classification provided (evidence only). Condition: Ovarian cancer. Review status: no classification provided. Collection method: in vitro. Allele origin: not applicable. Functional consequence: retained intron. Not counted in ClinVar's aggregate classification.

Dr. Peter K. Rogan Lab, Western University
No classification provided (evidence only). Condition: Ovarian cancer. Review status: no classification provided. Collection method: in vitro. Allele origin: not applicable. Functional consequence: retained intron. Not counted in ClinVar's aggregate classification.

Dr. Peter K. Rogan Lab, Western University
No classification provided (evidence only). Condition: Colon adenocarcinoma. Review status: no classification provided. Collection method: in vitro. Allele origin: not applicable. Functional consequence: skipped exon. Not counted in ClinVar's aggregate classification.

Dr. Peter K. Rogan Lab, Western University
No classification provided (evidence only). Condition: Thyroid cancer, nonmedullary, 1. Review status: no classification provided. Collection method: in vitro. Allele origin: not applicable. Functional consequence: skipped exon. Not counted in ClinVar's aggregate classification.

Dr. Peter K. Rogan Lab, Western University
No classification provided (evidence only). Condition: Thyroid cancer, nonmedullary, 1. Review status: no classification provided. Collection method: in vitro. Allele origin: not applicable. Functional consequence: retained intron. Not counted in ClinVar's aggregate classification.

Dr. Peter K. Rogan Lab, Western University
No classification provided (evidence only). Condition: Thyroid cancer, nonmedullary, 1. Review status: no classification provided. Collection method: in vitro. Allele origin: not applicable. Functional consequence: retained intron. Not counted in ClinVar's aggregate classification.

Dr. Peter K. Rogan Lab, Western University
No classification provided (evidence only). Condition: Thyroid cancer, nonmedullary, 1. Review status: no classification provided. Collection method: in vitro. Allele origin: not applicable. Functional consequence: skipped exon. Not counted in ClinVar's aggregate classification.

Dr. Peter K. Rogan Lab, Western University
No classification provided (evidence only). Condition: Thyroid cancer, nonmedullary, 1. Review status: no classification provided. Collection method: in vitro. Allele origin: not applicable. Functional consequence: retained intron. Not counted in ClinVar's aggregate classification.

Dr. Peter K. Rogan Lab, Western University
No classification provided (evidence only). Condition: Uterine corpus endometrial carcinoma. Review status: no classification provided. Collection method: in vitro. Allele origin: not applicable. Functional consequence: skipped exon. Not counted in ClinVar's aggregate classification.

Dr. Peter K. Rogan Lab, Western University
No classification provided (evidence only). Condition: Cervical cancer. Review status: no classification provided. Collection method: in vitro. Allele origin: not applicable. Functional consequence: skipped exon. Not counted in ClinVar's aggregate classification.

Dr. Peter K. Rogan Lab, Western University
No classification provided (evidence only). Condition: Cervical cancer. Review status: no classification provided. Collection method: in vitro. Allele origin: not applicable. Functional consequence: retained intron. Not counted in ClinVar's aggregate classification.

Dr. Peter K. Rogan Lab, Western University
No classification provided (evidence only). Condition: Cervical cancer. Review status: no classification provided. Collection method: in vitro. Allele origin: not applicable. Functional consequence: skipped exon. Not counted in ClinVar's aggregate classification.

Dr. Peter K. Rogan Lab, Western University
No classification provided (evidence only). Condition: Sarcoma. Review status: no classification provided. Collection method: in vitro. Allele origin: not applicable. Functional consequence: retained intron. Not counted in ClinVar's aggregate classification.

Dr. Peter K. Rogan Lab, Western University
No classification provided (evidence only). Condition: Sarcoma. Review status: no classification provided. Collection method: in vitro. Allele origin: not applicable. Functional consequence: retained intron. Not counted in ClinVar's aggregate classification.

Dr. Peter K. Rogan Lab, Western University
No classification provided (evidence only). Condition: Sarcoma. Review status: no classification provided. Collection method: in vitro. Allele origin: not applicable. Functional consequence: retained intron. Not counted in ClinVar's aggregate classification.

Dr. Peter K. Rogan Lab, Western University
No classification provided (evidence only). Condition: Nonpapillary renal cell carcinoma. Review status: no classification provided. Collection method: in vitro. Allele origin: not applicable. Functional consequence: skipped exon. Not counted in ClinVar's aggregate classification.

Dr. Peter K. Rogan Lab, Western University
No classification provided (evidence only). Condition: Nonpapillary renal cell carcinoma. Review status: no classification provided. Collection method: in vitro. Allele origin: not applicable. Functional consequence: retained intron. Not counted in ClinVar's aggregate classification.

Dr. Peter K. Rogan Lab, Western University
No classification provided (evidence only). Condition: Thymoma. Review status: no classification provided. Collection method: in vitro. Allele origin: not applicable. Functional consequence: retained intron. Not counted in ClinVar's aggregate classification.

Dr. Peter K. Rogan Lab, Western University
No classification provided (evidence only). Condition: Uterine carcinosarcoma. Review status: no classification provided. Collection method: in vitro. Allele origin: not applicable. Functional consequence: skipped exon. Not counted in ClinVar's aggregate classification.

Dr. Peter K. Rogan Lab, Western University
No classification provided (evidence only). Condition: Chronic lymphocytic leukemia/small lymphocytic lymphoma. Review status: no classification provided. Collection method: in vitro. Allele origin: not applicable. Functional consequence: retained intron. Not counted in ClinVar's aggregate classification.

NM_018060.4(IARS2):c.1726A>G (p.Lys576Glu)

Gene: IARS2 (isoleucyl-tRNA synthetase 2, mitochondrial; plus strand). Cytogenetic location: 1q41.
Variant type: single nucleotide variant.
Coding change: c.1726A>G on transcript NM_018060.4 (MANE Select); coding-DNA position 1726, A replaced by G.
Protein change: p.Lys576Glu; replaces lysine 576 with glutamic acid.
Molecular consequence: missense variant.
Genome position (GRCh38, 1-based): chr1:220,125,322, A>G. VCF-style: chr1-220125322-A-G. GRCh37 (hg19) VCF-style: chr1-220298664-A-G.
Other names: short protein forms K576E.
Identifiers: ClinVar variation 380077 (VCV000380077.16), dbSNP rs78770848, ClinGen allele CA1401556.